The following is an entry in ClinVar:

ClinVar aggregate classification (germline): Uncertain significance (1 of 4 stars; one submission).

gnomAD v4.1: 1 of 1,409,264 alleles (0.000071%); no homozygotes.

Submission:

Ambry Genetics
Classification: Uncertain significance. Last evaluated: 2026-05-21. Review status: criteria provided, single submitter. Criteria: Ambry Variant Classification Scheme 2023. Collection method: clinical testing. Allele origin: germline.
Comment: The p.G25D variant (also known as c.74G>A), located in coding exon 1 of the ATRIP gene, results from a G to A substitution at nucleotide position 74. The glycine at codon 25 is replaced by aspartic acid, an amino acid with similar properties. This amino acid position is conserved. In addition, this alteration is predicted to be tolerated by in silico analysis. Based on the available evidence, the clinical significance of this variant remains unclear.

NM_130384.3(ATRIP):c.74G>A (p.Gly25Asp)

Genes: ATRIP (ATR interacting protein; plus strand), ATRIP-TREX1 (ATRIP-TREX1 readthrough; plus strand), LOC129936703 (ATAC-STARR-seq lymphoblastoid silent region 14331; plus strand). Cytogenetic location: 3p21.31.
Variant type: single nucleotide variant.
Coding change: c.74G>A on transcript NM_130384.3 (MANE Select); coding-DNA position 74, G replaced by A.
Protein change: p.Gly25Asp; replaces glycine 25 with aspartic acid.
Molecular consequence: missense variant. On other transcripts: non-coding transcript variant (1), intron variant (1).
Genome position (GRCh38, 1-based): chr3:48,446,919, G>A. VCF-style: chr3-48446919-G-A. GRCh37 (hg19) VCF-style: chr3-48488323-G-A.
Other names: c.74G>A, p.Gly25Asp (NM_032166.4); c.-218+120G>A (NM_001271022.2); short protein forms G25D.
Identifiers: ClinVar variation 4867248 (VCV004867248.1).